The following is an entry in ClinVar:

NM_014727.3(KMT2B):c.619C>T (p.Arg207Trp)

Gene: KMT2B (lysine methyltransferase 2B; plus strand). Cytogenetic location: 19q13.12.
Variant type: single nucleotide variant.
Coding change: c.619C>T on transcript NM_014727.3 (MANE Select); coding-DNA position 619, C replaced by T.
Protein change: p.Arg207Trp; replaces arginine 207 with tryptophan.
Molecular consequence: missense variant.
Genome position (GRCh38, 1-based): chr19:35,719,966, C>T. VCF-style: chr19-35719966-C-T. GRCh37 (hg19) VCF-style: chr19-36210868-C-T.
Other names: c.619C>T (NM_014727.1); short protein forms R207W.
Identifiers: ClinVar variation 1943745 (VCV001943745.6), dbSNP rs376781845, ClinGen allele CA307782144.
Genomic context (GRCh38, chr19:35,719,966, plus strand): 5'-GAACGGATGGTGCAGGCACTGACTGAACTTCTCCGGCGGGCCCAGGCACCCCAAGCACCC[C>T]GGAGCCGGGCATGTGAGCCCTCCACCCCCCGGCGGTCTCGGGGACGGCCCCCAGGACGGC-3'
Protein context (NP_055542.1, residues 197-217): LRRAQAPQAP[Arg207Trp]SRACEPSTPR

ClinVar aggregate classification (germline): Uncertain significance. Review status: criteria provided, multiple submitters, no conflicts (2 of 4 stars). 2 submissions from 2 submitters: Uncertain significance (2). Last evaluated 2025-12-22.

Conditions:
Inborn genetic diseases. Identifiers: MedGen C0950123, MeSH D030342.

Allele frequency attached by ClinVar (database versions not stated): gnomAD 0.00001; gnomAD exomes 0.00001; TOPMed 0.00002; ESP Exome Variant Server 0.00008.
gnomAD v4.1: 7 of 1,613,246 alleles (0.00043%); highest among the groups gnomAD compares: African/African-American, 0.0027%; no homozygotes.

Submissions (2):

Labcorp Genetics (formerly Invitae), Labcorp
Classification: Uncertain significance. Last evaluated: 2025-12-22. Review status: criteria provided, single submitter. Criteria: Invitae Variant Classification Sherloc (09022015). Collection method: clinical testing. Allele origin: germline.
Comment: This sequence change replaces arginine, which is basic and polar, with tryptophan, which is neutral and slightly polar, at codon 207 of the KMT2B protein (p.Arg207Trp). This variant is not present in population databases (gnomAD no frequency). This variant has not been reported in the literature in individuals affected with KMT2B-related conditions. ClinVar contains an entry for this variant (Variation ID: 1943745). Invitae Evidence Modeling of protein sequence and biophysical properties (such as structural, functional, and spatial information, amino acid conservation, physicochemical variation, residue mobility, and thermodynamic stability) indicates that this missense variant is not expected to disrupt KMT2B protein function with a negative predictive value of 80%. In summary, the available evidence is currently insufficient to determine the role of this variant in disease. Therefore, it has been classified as a Variant of Uncertain Significance.

Ambry Genetics
Classification: Uncertain significance for Inborn genetic diseases. Last evaluated: 2024-12-03. Review status: criteria provided, single submitter. Criteria: Ambry Variant Classification Scheme 2023. Collection method: clinical testing. Allele origin: germline.